The following is an entry in ClinVar:

ClinVar aggregate classification (germline): Uncertain significance (1 of 4 stars; one submission).

Conditions:
Cardiovascular phenotype. Identifiers: MedGen CN230736.

Submission:

Ambry Genetics
Classification: Uncertain significance for Cardiovascular phenotype. Last evaluated: 2023-06-29. Review status: criteria provided, single submitter. Criteria: Ambry Variant Classification Scheme 2023. Collection method: clinical testing. Allele origin: germline.
Comment: The c.-4G>T variant is located in the 5' untranslated region (5&rsquo; UTR) of the SCN3B gene. This variant results from a G to T substitution 4 bases upstream from the first translated codon. This nucleotide position is poorly conserved in available vertebrate species. The evidence for this gene-disease relationship is limited; therefore, the clinical significance of this alteration is unclear.

NM_001040151.2(SCN3B):c.-4G>T

Gene: SCN3B (sodium voltage-gated channel beta subunit 3; minus strand). Cytogenetic location: 11q24.1.
Variant type: single nucleotide variant.
Coding change: c.-4G>T on transcript NM_001040151.2 (MANE Select); 4 bases upstream of the start codon, G replaced by T.
Molecular consequence: 5 prime UTR variant.
Genome position (GRCh38, 1-based): chr11:123,653,805, C>A on the plus strand (G>T on the coding strand, the complement: SCN3B is on the minus strand). VCF-style: chr11-123653805-C-A. GRCh37 (hg19) VCF-style: chr11-123524513-C-A.
Other names: c.-4G>T (NM_018400.4).
Identifiers: ClinVar variation 2625609 (VCV002625609.2), dbSNP rs2497595933, ClinGen allele CA2582342484.
Genomic context (GRCh38, chr11:123,653,805, plus strand): 5'-ACCCCAGTAGATAAGCACGAGAGAAGCCAGGGGAAACAATCTATTGAAGGCAGGCATCTT[C>A]TGGGGCTGGCGGCTTCCAAGGCTACACAGAGAGATTCCCTCGGTCAAGGACTGCGCCCTC-3'